The following is an entry in ClinVar:

NM_001379286.1(ZNF423):c.1888G>A (p.Ala630Thr)

Gene: ZNF423 (zinc finger protein 423; minus strand). Cytogenetic location: 16q12.1.
Variant type: single nucleotide variant.
Coding change: c.1888G>A on transcript NM_001379286.1 (MANE Select); coding-DNA position 1888, G replaced by A.
Protein change: p.Ala630Thr; replaces alanine 630 with threonine.
Molecular consequence: missense variant.
Genome position (GRCh38, 1-based): chr16:49,637,288, C>T on the plus strand (G>A on the coding strand, the complement: ZNF423 is on the minus strand). VCF-style: chr16-49637288-C-T. GRCh37 (hg19) VCF-style: chr16-49671199-C-T.
Other names: c.1684G>A, p.Ala562Thr (NM_001271620.2); c.1513G>A, p.Ala505Thr (NM_001330533.2); c.1864G>A, p.Ala622Thr (NM_015069.5); c.1864G>A (NM_015069.2); short protein forms A562T, A505T, A622T, A630T.
Identifiers: ClinVar variation 840432 (VCV000840432.6), dbSNP rs532691621, ClinGen allele CA8046607.

ClinVar aggregate classification (germline): Conflicting classifications of pathogenicity. Review status: criteria provided, conflicting classifications (1 of 4 stars). 3 submissions from 3 submitters: Uncertain significance (2); Benign (1). Last evaluated 2025-10-07.

Conditions:
Nephronophthisis 14 (NPHP14). Identifiers: Orphanet 2318, MedGen C3539071, MONDO:0013916, OMIM 614844.

Allele frequency attached by ClinVar (database versions not stated): gnomAD below 0.00001 and 0.00003; TOPMed 0.00001; gnomAD exomes 0.00013; 1000 Genomes Project 30x 0.00016; ExAC 0.00016; 1000 Genomes Project 0.00020.
gnomAD v4.1: 100 of 1,614,216 alleles (0.0062%); highest among the groups gnomAD compares: South Asian, 0.098%; no homozygotes.

Submissions (3):

Ambry Genetics
Classification: Uncertain significance. Last evaluated: 2025-10-07. Review status: criteria provided, single submitter. Criteria: Ambry Variant Classification Scheme 2023. Collection method: clinical testing. Allele origin: germline.

Blueprint Genetics
Classification: Benign. Last evaluated: 2024-10-23. Review status: criteria provided, single submitter. Criteria: ACMG Guidelines, 2015. Collection method: clinical testing. Allele origin: germline.

Labcorp Genetics (formerly Invitae), Labcorp
Classification: Uncertain significance for Nephronophthisis 14. Last evaluated: 2021-12-09. Review status: criteria provided, single submitter. Criteria: Invitae Variant Classification Sherloc (09022015). Collection method: clinical testing. Allele origin: germline.
Comment: This sequence change replaces alanine, which is neutral and non-polar, with threonine, which is neutral and polar, at codon 622 of the ZNF423 protein (p.Ala622Thr). This variant is present in population databases (rs532691621, gnomAD 0.1%). This variant has not been reported in the literature in individuals affected with ZNF423-related conditions. ClinVar contains an entry for this variant (Variation ID: 840432). Algorithms developed to predict the effect of missense changes on protein structure and function (SIFT, PolyPhen-2, Align-GVGD) all suggest that this variant is likely to be tolerated. In summary, the available evidence is currently insufficient to determine the role of this variant in disease. Therefore, it has been classified as a Variant of Uncertain Significance.